The following is an entry in ClinVar:

NM_000179.3(MSH6):c.4079_*8dup (p.Leu1360_Ter1361=)

Gene: MSH6 (mutS homolog 6; plus strand). Cytogenetic location: 2p16.3.
Variant type: Duplication.
Coding change: c.4079_*8dup on transcript NM_000179.3 (MANE Select); coding-DNA position 4079 through 8 bases downstream of the stop codon, 13 bases duplicated (TATAGACTGACTA).
Protein change: p.Leu1360_Ter1361=.
Molecular consequence: no sequence alteration. On other transcripts: 3 prime UTR variant (5), non-coding transcript variant (5).
Genome position (GRCh38, 1-based): chr2:47,806,856-47,806,868, TATAGACTGACTA duplicated. VCF-style (leftmost placement, unchanged base first): chr2-47806855-T-TTATAGACTGACTA. GRCh37 (hg19) VCF-style: chr2-48033994-T-TTATAGACTGACTA.
Other names: c.3689_*8dup, p.Leu1230_Ter1231= (NM_001281492.2); c.3173_*8dup, p.Leu1058_Ter1059= (NM_001281493.2, NM_001281494.2, NM_001406811.1 and 6 more transcripts); c.4175_*8dup, p.Leu1392_Ter1393= (NM_001406795.1); c.4079_*8dup, p.Leu1360_Ter1361= (NM_001406796.1, NM_001406809.1); c.3782_*8dup, p.Leu1261_Ter1262= (NM_001406797.1, NM_001406805.1, NM_001406818.1 and 8 more transcripts); c.3905_*8dup, p.Leu1302_Ter1303= (NM_001406798.1); c.3554_*8dup, p.Leu1185_Ter1186= (NM_001406799.1, NM_001406806.1, NM_001406807.1); c.*100_*112dup (NM_001406800.1); and 9 more.
Identifiers: ClinVar variation 3904128 (VCV003904128.1).

ClinVar aggregate classification (germline): Benign (1 of 4 stars; one submission).

Conditions:
Lynch syndrome 5 (LYNCH5). Also called: Colorectal cancer, hereditary nonpolyposis, type 5; Hereditary non-polyposis colorectal cancer, type 5. Identifiers: Orphanet 144, MedGen C1833477, MONDO:0013710, OMIM 614350. Disease mechanism: loss of function.

Submission:

Myriad Genetics, Inc.
Classification: Benign for Lynch syndrome 5. Last evaluated: 2025-01-09. Review status: criteria provided, single submitter. Criteria: Myriad Autosomal Dominant, Autosomal Recessive and X-Linked Classification Criteria (2023). Collection method: clinical testing. Allele origin: unknown.
Comment: This variant is considered benign. This variant occurs in the non-coding 3' untranslated region of the gene, and is not expected to impact protein function.